The following is an entry in ClinVar:

NM_001127208.3(TET2):c.5305G>C (p.Ala1769Pro)

Genes: TET2 (tet methylcytosine dioxygenase 2; plus strand), TET2-AS1 (TET2 antisense RNA 1; minus strand). Cytogenetic location: 4q24.
Variant type: single nucleotide variant.
Coding change: c.5305G>C on transcript NM_001127208.3 (MANE Select); coding-DNA position 5305, G replaced by C.
Protein change: p.Ala1769Pro; replaces alanine 1769 with proline.
Molecular consequence: missense variant.
Genome position (GRCh38, 1-based): chr4:105,275,815, G>C. VCF-style: chr4-105275815-G-C. GRCh37 (hg19) VCF-style: chr4-106196972-G-C.
Other names: short protein forms A1769P.
Identifiers: ClinVar variation 135298 (VCV000135298.7), dbSNP rs539389221, ClinGen allele CA162261.

ClinVar aggregate classification (germline): Uncertain significance. Review status: criteria provided, multiple submitters, no conflicts (2 of 4 stars). 3 submissions from 3 submitters: Uncertain significance (2). 1 of the submissions does not count toward it. Last evaluated 2025-05-30.

Conditions:
Immunodeficiency 75. Also called: IMMUNODEFICIENCY 75 WITH LYMPHOPROLIFERATION. Identifiers: Orphanet 664729, MedGen C5436860, MONDO:0030858, OMIM 619126.

Allele frequency attached by ClinVar (database versions not stated): ExAC below 0.00001; gnomAD exomes 0.00002 and 0.00005; gnomAD 0.00006; 1000 Genomes Project 30x 0.00016; TOPMed 0.00017; 1000 Genomes Project 0.00020.

Submissions (3):

Labcorp Genetics (formerly Invitae), Labcorp
Classification: Uncertain significance. Last evaluated: 2025-05-30. Review status: criteria provided, single submitter. Criteria: Invitae Variant Classification Sherloc (09022015). Collection method: clinical testing. Allele origin: germline.
Comment: This sequence change replaces alanine, which is neutral and non-polar, with proline, which is neutral and non-polar, at codon 1769 of the TET2 protein (p.Ala1769Pro). This variant is present in population databases (rs539389221, gnomAD 0.03%). This variant has not been reported in the literature in individuals affected with TET2-related conditions. ClinVar contains an entry for this variant (Variation ID: 135298). An algorithm developed to predict the effect of missense changes on protein structure and function (PolyPhen-2) suggests that this variant is likely to be disruptive. In summary, the available evidence is currently insufficient to determine the role of this variant in disease. Therefore, it has been classified as a Variant of Uncertain Significance.

New York Genome Center
Classification: Uncertain significance for Immunodeficiency 75. Last evaluated: 2021-01-30. Review status: criteria provided, single submitter. Criteria: NYGC Assertion Criteria 2020. Collection method: clinical testing. Allele origin: inherited. Observed: 1 heterozygote. Study: CSER-NYCKidSeq.

ITMI
No classification provided. Condition: AllHighlyPenetrant. Last evaluated: 2013-09-19. Review status: no classification provided. Collection method: reference population. Allele origin: germline. Not counted in ClinVar's aggregate classification.
Comment: Please see associated publication for description of ethnicities

Literature cited by the submitters: PubMed 24728327 (cited by ITMI).